The following is an entry in ClinVar:

ClinVar aggregate classification (germline): Uncertain significance. Review status: criteria provided, multiple submitters, no conflicts (2 of 4 stars). 2 submissions from 2 submitters: Uncertain significance (2). Last evaluated 2025-04-15.

Conditions:
MHC class I deficiency. Identifiers: Orphanet 34592, MedGen C6024714, MONDO:0011476.

Allele frequency attached by ClinVar (database versions not stated): gnomAD exomes below 0.00001 and 0.00001; TOPMed 0.00001.

Submissions (2):

Ambry Genetics
Classification: Uncertain significance. Last evaluated: 2025-04-15. Review status: criteria provided, single submitter. Criteria: Ambry Variant Classification Scheme 2023. Collection method: clinical testing. Allele origin: germline.

Labcorp Genetics (formerly Invitae), Labcorp
Classification: Uncertain significance for MHC class I deficiency 1. Last evaluated: 2023-07-17. Review status: criteria provided, single submitter. Criteria: Invitae Variant Classification Sherloc (09022015). Collection method: clinical testing. Allele origin: germline.
Comment: ClinVar contains an entry for this variant (Variation ID: 837943). This variant has not been reported in the literature in individuals affected with TAPBP-related conditions. This variant is present in population databases (no rsID available, gnomAD 0.006%). This sequence change replaces methionine, which is neutral and non-polar, with valine, which is neutral and non-polar, at codon 125 of the TAPBP protein (p.Met125Val). In summary, the available evidence is currently insufficient to determine the role of this variant in disease. Therefore, it has been classified as a Variant of Uncertain Significance. Algorithms developed to predict the effect of missense changes on protein structure and function output the following: SIFT: "Not Available"; PolyPhen-2: "Benign"; Align-GVGD: "Not Available". The valine amino acid residue is found in multiple mammalian species, which suggests that this missense change does not adversely affect protein function.

NM_003190.5(TAPBP):c.373A>G (p.Met125Val)

Gene: TAPBP (TAP binding protein; minus strand). Cytogenetic location: 6p21.32.
Variant type: single nucleotide variant.
Coding change: c.373A>G on transcript NM_003190.5 (MANE Select); coding-DNA position 373, A replaced by G.
Protein change: p.Met125Val; replaces methionine 125 with valine.
Molecular consequence: missense variant. On other transcripts: intron variant (1).
Genome position (GRCh38, 1-based): chr6:33,313,313, T>C on the plus strand (A>G on the coding strand, the complement: TAPBP is on the minus strand). VCF-style: chr6-33313313-T-C. GRCh37 (hg19) VCF-style: chr6-33281090-T-C.
Other names: c.373A>G, p.Met125Val (NM_172208.3); c.208+381A>G (NM_172209.3); short protein forms M125V.
Identifiers: ClinVar variation 837943 (VCV000837943.12), dbSNP rs1260365536, ClinGen allele CA363620864.